The following is an entry in ClinVar:

ClinVar aggregate classification (germline): Uncertain significance (1 of 4 stars; one submission).

Submission:

GeneDx
Classification: Uncertain significance. Last evaluated: 2025-02-25. Review status: criteria provided, single submitter. Criteria: GeneDx Variant Classification Process June 2021. Collection method: clinical testing. Allele origin: germline. Affected: yes.
Comment: Not observed at significant frequency in large population cohorts (gnomAD); In silico analysis supports that this missense variant has a deleterious effect on protein structure/function; Has not been previously published as pathogenic or benign to our knowledge

NM_174936.4(PCSK9):c.1193T>C (p.Met398Thr)

Gene: PCSK9 (proprotein convertase subtilisin/kexin type 9; plus strand). Cytogenetic location: 1p32.3.
Variant type: single nucleotide variant.
Coding change: c.1193T>C on transcript NM_174936.4 (MANE Select); coding-DNA position 1193, T replaced by C.
Protein change: p.Met398Thr; replaces methionine 398 with threonine.
Molecular consequence: missense variant. On other transcripts: non-coding transcript variant (8), intron variant (2).
Genome position (GRCh38, 1-based): chr1:55,058,048, T>C. VCF-style: chr1-55058048-T-C. GRCh37 (hg19) VCF-style: chr1-55523721-T-C.
Other names: c.1316T>C, p.Met439Thr (NM_001407240.1); c.1193T>C, p.Met398Thr (NM_001407241.1); c.1196T>C, p.Met399Thr (NM_001407242.1); c.1136T>C, p.Met379Thr (NM_001407243.1); c.1001T>C, p.Met334Thr (NM_001407245.1); c.818T>C, p.Met273Thr (NM_001407246.1); c.1181-451T>C (NM_001407244.1); c.1180+534T>C (NM_001407247.1); short protein forms M273T, M334T, M379T, M398T, M399T, M439T.
Identifiers: ClinVar variation 4077296 (VCV004077296.1).